The following is an entry in ClinVar:

ClinVar aggregate classification (germline): Uncertain significance (1 of 4 stars; one submission).

Submission:

Dasa
Classification: Uncertain significance. Last evaluated: 2025-03-06. Review status: criteria provided, single submitter. Criteria: DASA Assertion Criteria. Collection method: clinical testing. Allele origin: germline.
Comment: NM_020922.5(WNK3):c.3107C>T (p.Ala1036Val) is a missense variant that results in the substitution of alanine with valine. This variant is absent from population databases. The currently available literature and clinical evidence are not sufficient to establish a definitive association between this variant and the reported condition. Therefore, this variant is classified as a variant of uncertain significance.

NM_020922.5(WNK3):c.3107C>T (p.Ala1036Val)

Gene: WNK3 (WNK lysine deficient protein kinase 3; minus strand). Cytogenetic location: Xp11.22.
Variant type: single nucleotide variant.
Coding change: c.3107C>T on transcript NM_020922.5 (MANE Select); coding-DNA position 3107, C replaced by T.
Protein change: p.Ala1036Val; replaces alanine 1036 with valine.
Molecular consequence: missense variant.
Genome position (GRCh38, 1-based): chrX:54,249,241, G>A on the plus strand (C>T on the coding strand, the complement: WNK3 is on the minus strand). VCF-style: chrX-54249241-G-A. GRCh37 (hg19) VCF-style: chrX-54275674-G-A.
Other names: c.3107C>T, p.Ala1036Val (NM_001002838.4, NM_001395166.1); short protein forms A1036V.
Identifiers: ClinVar variation 4882276 (VCV004882276.2).